The following is an entry in ClinVar:

ClinVar aggregate classification (germline): Uncertain significance (1 of 4 stars; one submission).

Submission:

Labcorp Genetics (formerly Invitae), Labcorp
Classification: Uncertain significance. Last evaluated: 2023-07-21. Review status: criteria provided, single submitter. Criteria: Invitae Variant Classification Sherloc (09022015). Collection method: clinical testing. Allele origin: germline.
Comment: In summary, the available evidence is currently insufficient to determine the role of this variant in disease. Therefore, it has been classified as a Variant of Uncertain Significance. This sequence change replaces isoleucine, which is neutral and non-polar, with valine, which is neutral and non-polar, at codon 311 of the TGFB1 protein (p.Ile311Val). This variant is not present in population databases (gnomAD no frequency). This variant has not been reported in the literature in individuals affected with TGFB1-related conditions. Advanced modeling of protein sequence and biophysical properties (such as structural, functional, and spatial information, amino acid conservation, physicochemical variation, residue mobility, and thermodynamic stability) performed at Invitae indicates that this missense variant is not expected to disrupt TGFB1 protein function.

NM_000660.7(TGFB1):c.931A>G (p.Ile311Val)

Gene: TGFB1 (transforming growth factor beta 1; minus strand). Cytogenetic location: 19q13.2.
Variant type: single nucleotide variant.
Coding change: c.931A>G on transcript NM_000660.7 (MANE Select); coding-DNA position 931, A replaced by G.
Protein change: p.Ile311Val; replaces isoleucine 311 with valine.
Molecular consequence: missense variant.
Genome position (GRCh38, 1-based): chr19:41,332,211, T>C on the plus strand (A>G on the coding strand, the complement: TGFB1 is on the minus strand). VCF-style: chr19-41332211-T-C. GRCh37 (hg19) VCF-style: chr19-41838116-T-C.
Other names: short protein forms I311V.
Identifiers: ClinVar variation 2745656 (VCV002745656.3), dbSNP rs2513373040, ClinGen allele CA405998522.